The following is an entry in ClinVar:

NM_182914.3(SYNE2):c.19964A>T (p.Gln6655Leu)

Gene: SYNE2 (spectrin repeat containing nuclear envelope protein 2; plus strand). Cytogenetic location: 14q23.2.
Variant type: single nucleotide variant.
Coding change: c.19964A>T on transcript NM_182914.3 (MANE Select); coding-DNA position 19964, A replaced by T.
Protein change: p.Gln6655Leu; replaces glutamine 6655 with leucine.
Molecular consequence: missense variant.
Genome position (GRCh38, 1-based): chr14:64,220,540, A>T. VCF-style: chr14-64220540-A-T. GRCh37 (hg19) VCF-style: chr14-64687258-A-T.
Other names: c.19895A>T, p.Gln6632Leu (NM_015180.6); c.488A>T, p.Gln163Leu (NM_182910.2); c.866A>T, p.Gln289Leu (NM_182913.4); short protein forms Q6655L, Q6632L, Q163L, Q289L.
Identifiers: ClinVar variation 281670 (VCV000281670.50), dbSNP rs149978500, ClinGen allele CA7224647.
Genomic context (GRCh38, chr14:64,220,540, plus strand): 5'-CTGTCAACGTGAGCAGCAAGGAATTTCTGCAAACCGAGAGCCCCGAATCCACAGAGCTCC[A>T]AAGTAGACTCCGCCAGCTGAGCCTGCTCTGGGAAGCAGCACAGGGCGCAGTGGACAGCTG-3'
Protein context (NP_878918.2, residues 6645-6665): QTESPESTEL[Gln6655Leu]SRLRQLSLLW

ClinVar aggregate classification (germline): Conflicting classifications of pathogenicity. Review status: criteria provided, conflicting classifications (1 of 4 stars). 9 submissions from 9 submitters: Uncertain significance (1); Benign (3); Likely benign (2). 3 of the submissions do not count toward it. Last evaluated 2026-01-14.

Conditions:
SYNE2-related disorder. Also called: SYNE2-related condition.
Emery-Dreifuss muscular dystrophy 5, autosomal dominant (EDMD5). Also called: EMERY-DREIFUSS MUSCULAR DYSTROPHY 5. Identifiers: Orphanet 261, MedGen C2751805, MONDO:0013072, OMIM 612999.

Allele frequency attached by ClinVar (database versions not stated): 1000 Genomes Project 0.00140; 1000 Genomes Project 30x 0.00156; gnomAD 0.00193 and 0.00194; ESP Exome Variant Server 0.00200; TOPMed 0.00222; ExAC 0.00223; gnomAD exomes 0.00224.
gnomAD v4.1: 4,769 of 1,614,118 alleles (0.3%); highest among the groups gnomAD compares: Middle Eastern, 1.4%; 9 homozygotes.

Submissions (9):

Labcorp Genetics (formerly Invitae), Labcorp
Classification: Likely benign for Emery-Dreifuss muscular dystrophy 5, autosomal dominant. Last evaluated: 2026-01-14. Review status: criteria provided, single submitter. Criteria: Invitae Variant Classification Sherloc (09022015). Collection method: clinical testing. Allele origin: germline.

CeGaT Center for Human Genetics Tuebingen
Classification: Benign. Last evaluated: 2025-04-01. Review status: criteria provided, single submitter. Criteria: CeGaT Center For Human Genetics Tuebingen Variant Classification Criteria Version 2. Collection method: clinical testing. Allele origin: germline. Affected: yes. Observed: 10 variant alleles.
Comment: SYNE2: BP4, BS1, BS2

Blueprint Genetics
Classification: Likely benign. Last evaluated: 2024-11-20. Review status: criteria provided, single submitter. Criteria: ACMG Guidelines, 2015. Collection method: clinical testing. Allele origin: germline.

Athena Diagnostics
Classification: Benign. Last evaluated: 2024-09-19. Review status: criteria provided, single submitter. Criteria: Athena Diagnostics Criteria. Collection method: clinical testing. Allele origin: unknown.

Illumina Laboratory Services, Illumina
Classification: Benign for Emery-Dreifuss muscular dystrophy 5, autosomal dominant. Last evaluated: 2018-01-13. Review status: criteria provided, single submitter. Criteria: ICSL Variant Classification Criteria 13 December 2019. Collection method: clinical testing. Allele origin: germline.
Comment: This variant was observed in the ICSL laboratory as part of a predisposition screen in an ostensibly healthy population. It had not been previously curated by ICSL or reported in the Human Gene Mutation Database (HGMD: prior to June 1st, 2018), and was therefore a candidate for classification through an automated scoring system. Utilizing variant allele frequency, disease prevalence and penetrance estimates, and inheritance mode, an automated score was calculated to assess if this variant is too frequent to cause the disease. Based on the score and internal cut-off values, a variant classified as benign is not then subjected to further curation. The score for this variant resulted in a classification of benign for this disease.

Eurofins Ntd Llc (ga)
Classification: Uncertain significance. Last evaluated: 2015-07-10. Review status: criteria provided, single submitter. Criteria: EGL Classification Definitions 2015. Collection method: clinical testing. Allele origin: germline. Observed: 11 variant alleles, 11 heterozygotes.

PreventionGenetics, part of Exact Sciences
Classification: Benign for SYNE2-related condition. Last evaluated: 2019-06-27. Review status: no assertion criteria provided. Collection method: clinical testing. Allele origin: germline. Not counted in ClinVar's aggregate classification.
Comment: This variant is classified as benign based on ACMG/AMP sequence variant interpretation guidelines (Richards et al. 2015 PMID: 25741868, with internal and published modifications).

Clinical Genetics DNA and cytogenetics Diagnostics Lab, Erasmus MC, Erasmus Medical Center
Classification: Likely benign. Review status: no assertion criteria provided. Collection method: clinical testing. Allele origin: germline. Affected: yes. Study: VKGL Data-share Consensus. Not counted in ClinVar's aggregate classification.

Genome Diagnostics Laboratory, University Medical Center Utrecht
Classification: Likely benign. Review status: no assertion criteria provided. Collection method: clinical testing. Allele origin: germline. Affected: yes. Study: VKGL Data-share Consensus. Not counted in ClinVar's aggregate classification.